The following is an entry in ClinVar:

ClinVar aggregate classification (germline): Uncertain significance. Review status: criteria provided, multiple submitters, no conflicts (2 of 4 stars). 2 submissions from 2 submitters: Uncertain significance (2). Last evaluated 2024-09-04.

Conditions:
Inborn genetic diseases. Identifiers: MedGen C0950123, MeSH D030342.

Allele frequency attached by ClinVar (database versions not stated): gnomAD exomes below 0.00001; TOPMed below 0.00001; gnomAD 0.00001.
gnomAD v4.1: 2 of 1,580,212 alleles (0.00013%); highest among the groups gnomAD compares: Non-Finnish European, 0.00017%; no homozygotes.

Submissions (2):

Ambry Genetics
Classification: Uncertain significance for Inborn genetic diseases. Last evaluated: 2024-09-04. Review status: criteria provided, single submitter. Criteria: Ambry Variant Classification Scheme 2023. Collection method: clinical testing. Allele origin: germline.

Labcorp Genetics (formerly Invitae), Labcorp
Classification: Uncertain significance. Last evaluated: 2022-05-17. Review status: criteria provided, single submitter. Criteria: Invitae Variant Classification Sherloc (09022015). Collection method: clinical testing. Allele origin: germline.
Comment: This sequence change replaces glutamic acid, which is acidic and polar, with lysine, which is basic and polar, at codon 573 of the TNFRSF11A protein (p.Glu573Lys). This variant is present in population databases (no rsID available, gnomAD 0.007%). This variant has not been reported in the literature in individuals affected with TNFRSF11A-related conditions. Algorithms developed to predict the effect of missense changes on protein structure and function are either unavailable or do not agree on the potential impact of this missense change (SIFT: "Deleterious"; PolyPhen-2: "Benign"; Align-GVGD: "Class C0"). In summary, the available evidence is currently insufficient to determine the role of this variant in disease. Therefore, it has been classified as a Variant of Uncertain Significance.

NM_003839.4(TNFRSF11A):c.1717G>A (p.Glu573Lys)

Gene: TNFRSF11A (TNF receptor superfamily member 11a; plus strand). Cytogenetic location: 18q21.33.
Variant type: single nucleotide variant.
Coding change: c.1717G>A on transcript NM_003839.4 (MANE Select); coding-DNA position 1717, G replaced by A.
Protein change: p.Glu573Lys; replaces glutamic acid 573 with lysine.
Molecular consequence: missense variant. On other transcripts: 3 prime UTR variant (1).
Genome position (GRCh38, 1-based): chr18:62,384,900, G>A. VCF-style: chr18-62384900-G-A. GRCh37 (hg19) VCF-style: chr18-60052133-G-A.
Other names: c.*141G>A (NM_001270949.2); c.880G>A, p.Glu294Lys (NM_001270950.2); c.766G>A, p.Glu256Lys (NM_001270951.2); c.1675G>A, p.Glu559Lys (NM_001278268.2); short protein forms E256K, E294K, E559K, E573K.
Identifiers: ClinVar variation 1995510 (VCV001995510.5), dbSNP rs919492256, ClinGen allele CA301714779.